The following is an entry in ClinVar:

NM_018127.7(ELAC2):c.680-11T>G

Gene: ELAC2 (elaC ribonuclease Z 2; minus strand). Cytogenetic location: 17p12.
Variant type: single nucleotide variant.
Coding change: c.680-11T>G on transcript NM_018127.7 (MANE Select); 11 bases into the intron before coding-DNA position 680, T replaced by G.
Molecular consequence: intron variant.
Genome position (GRCh38, 1-based): chr17:13,010,682, A>C on the plus strand (T>G on the coding strand, the complement: ELAC2 is on the minus strand). VCF-style: chr17-13010682-A-C. GRCh37 (hg19) VCF-style: chr17-12913999-A-C.
Other names: c.560-11T>G (NM_001165962.2); c.680-11T>G (NM_173717.2).
Identifiers: ClinVar variation 512404 (VCV000512404.6), dbSNP rs1367528939, ClinGen allele CA624915871.

ClinVar aggregate classification (germline): Conflicting classifications of pathogenicity. Review status: criteria provided, conflicting classifications (1 of 4 stars). 2 submissions from 2 submitters: Uncertain significance (1); Likely benign (1). Last evaluated 2025-04-09.

Conditions:
Combined oxidative phosphorylation defect type 17. Also called: Combined oxidative phosphorylation deficiency 17. Identifiers: Orphanet 369913, MedGen C3809526, MONDO:0014190, OMIM 615440.

Allele frequency attached by ClinVar (database versions not stated): gnomAD exomes 0.00001.

Submissions (2):

Labcorp Genetics (formerly Invitae), Labcorp
Classification: Likely benign for Combined oxidative phosphorylation defect type 17. Last evaluated: 2025-04-09. Review status: criteria provided, single submitter. Criteria: Invitae Variant Classification Sherloc (09022015). Collection method: clinical testing. Allele origin: germline.

GeneDx
Classification: Uncertain significance. Last evaluated: 2025-02-21. Review status: criteria provided, single submitter. Criteria: GeneDx Variant Classification Process June 2021. Collection method: clinical testing. Allele origin: germline. Affected: yes.
Comment: Not observed at significant frequency in large population cohorts (gnomAD); Has not been previously published as pathogenic or benign to our knowledge; In silico analysis is inconclusive as to whether the variant alters gene splicing. In the absence of RNA/functional studies, the actual effect of this sequence change is unknown.